The following is an entry in ClinVar:

NM_000518.5(HBB):c.50G>A (p.Gly17Asp)

Genes: HBB (hemoglobin subunit beta; minus strand), LOC106099062 (HBB recombination region; plus strand), LOC107133510 (origin of replication at HBB; plus strand). Cytogenetic location: 11p15.4.
Variant type: single nucleotide variant.
Coding change: c.50G>A on transcript NM_000518.5 (MANE Select); coding-DNA position 50, G replaced by A.
Protein change: p.Gly17Asp; replaces glycine 17 with aspartic acid.
Molecular consequence: missense variant.
Genome position (GRCh38, 1-based): chr11:5,226,972, C>T on the plus strand (G>A on the coding strand, the complement: HBB is on the minus strand). VCF-style: chr11-5226972-C-T. GRCh37 (hg19) VCF-style: chr11-5248202-C-T.
Other names: G16D; Hb J-Baltimore; Hb J-Georgia; Hb J-Ireland; Hb J-Trinidad; Hb N-New Haven; short protein forms G17D.
Identifiers: ClinVar variation 15213 (VCV000015213.34), dbSNP rs33962676, ClinGen allele CA124935.

ClinVar aggregate classification (germline): Conflicting classifications of pathogenicity. Review status: criteria provided, conflicting classifications (1 of 4 stars). 6 submissions from 6 submitters: Uncertain significance (4); Benign (1). 1 of the submissions does not count toward it. Last evaluated 2026-05-29.

Conditions:
HEMOGLOBIN J (BALTIMORE). Also called: HEMOGLOBIN J (GEORGIA); HEMOGLOBIN J (IRELAND); HEMOGLOBIN J (TRINIDAD); HEMOGLOBIN N (NEW HAVEN 2).

Allele frequency attached by ClinVar (database versions not stated): gnomAD 0.00003; TOPMed 0.00004; ExAC 0.00002; gnomAD exomes 0.00002 and 0.00005.

Submissions (6):

Women's Health and Genetics/Laboratory Corporation of America, LabCorp
Classification: Uncertain significance. Last evaluated: 2026-05-29. Review status: criteria provided, single submitter. Criteria: LabCorp Variant Classification Summary - May 2015. Collection method: clinical testing. Allele origin: germline.
Comment: Variant summary: HBB c.50G>A (p.Gly17Asp) results in a non-conservative amino acid change in the encoded protein sequence. Algorithms developed to predict the effect of missense changes on protein structure and function are either unavailable or do not agree on the potential impact of this missense change. The variant allele was found at a frequency of 2.4e-05 in 251228 control chromosomes. The available data on variant occurrences in the general population are insufficient to allow any conclusion about variant significance. The variant, c.50G>A, has been reported in the literature in multiple compound heterozygotes carrying the variant of interest and HbS (e.g. Weatherall_1964, Baglioni_1963, Huisman_1978), and at least 3 of these individuals has been stated to have no symptoms suggestive of anemia or sickle-cell crisis during several years of follow up (Weatherall_1964). A functional study, which measured the rate of change of blood viscosity during deoxygenation demonstrated that blood from a compound heterozygote, behaved similarly to that of sickle-cell carriers, i.e. the variant didn't contribute to sickling (Weatherall_1964, Charache_1964). The variant also has been reported in at least 3 compound heterozygotes who carried a beta-thalassemia allele (Musumeci_1979, Arribalzaga_1996), these individuals had hematological parameters largely similar to individuals with beta-thalassemia trait. Functional studies performed on samples from two of these individuals, indicated normal oxyhemoglobin dissociation curves and P50 values, similar to thalassemia carriers (Arribalzaga_1996). Other functional studies noted no Heinz-body formation, or instability, in addition, oxygen affinity, Bohr-effect, and cooperativity, were all noted to be similar to normal (e.g. Musumeci_1979, Arribalzaga_1996). The following publications have been ascertained in the context of this evaluation (PMID: 8745435, 14092068, 14194270, 20206586, 19429541, 6859036, 700140, 16178917, 19750260, 5481775, 14282052, 3957922, 511585, 31553106, 17709689, 14117783). ClinVar contains an entry for this variant (Variation ID: 15213). Based on the evidence outlined above, the variant was classified as VUS-possibly benign.

Quest Diagnostics Nichols Institute San Juan Capistrano
Classification: Uncertain significance. Last evaluated: 2025-09-05. Review status: criteria provided, single submitter. Criteria: Quest Diagnostics criteria. Collection method: clinical testing. Allele origin: unknown.
Comment: The HBB c.50G>A (p.Gly17Asp) variant (also known as Hb J-Baltimore) has been reported in the heterozygous state in individuals with normal clinical presentation (PMID: 8745435 (1996), 8226093 (1993), 14117783 (1964), HbVar). Individuals who carry this variant in combination with the Hb S (HBB c.20A>T, p.Glu7Val) or Hb C (HBB c.19G>A, p.Glu7Lys) variants have clinical and hematological findings similar to carriers of Hb S or Hb C alone (PMID: 14117783 (1964)). Hb J-Baltimore is reported to have normal stability (PMIDs: 8226093 (1993), 8745435 (1996)). The frequency of this variant in the general population (Genome Aggregation Database) is uninformative in the assessment of its pathogenicity. Based on the available information, we are unable to determine the clinical significance of this variant.

ARUP Laboratories, Molecular Genetics and Genomics, ARUP Laboratories
Classification: Benign. Last evaluated: 2025-07-16. Review status: criteria provided, single submitter. Criteria: ARUP Molecular Germline Variant Investigation Process 2024. Collection method: clinical testing. Allele origin: germline.
Comment: The Hb J-Baltimore variant (HBB: c.50G>A; p.Gly17Asp, also known as Gly16Asp when numbered from the mature protein, rs33962676, HbVar ID: 247) is a stable hemoglobin variant that has been described in a patient with sickle hemoglobin, who is clinically asymptomatic and exhibits mild but well-compensated hemolytic anemia (Went 1959). It has also been reported with beta-thalassemia variants, and either has no impact or ameliorates the associated clinical symptoms (Ballas 1981, Wong 1971). The Hb J-Baltimore variant is found in the general population with an overall allele frequency of 0.002% (7/282640 alleles) in the Genome Aggregation Database The glycine at codon 17 is highly conserved, and computational analyses are uncertain whether this variant is neutral or deleterious (REVEL: 0.575). The Hb J-Baltimore variant is considered to be benign as it has not been reported to be associated with a significant clinical phenotype (see HbVar link and references therein). REFERENCES Link to HbVar database: Ballas SK et al. Globin chain synthesis in Hb J Baltimore-beta (+)-thalassemia. Am J Clin Pathol. 1981; 75(6):843-6. PMID: 6167160 Went L et al. Sickle-Cell/Haemoglobin-J Disease. Br Med J. 1959; 2(5144): 138-139. PMID: 13843994 Wong S et al. Hb-J-Georgia=Hb-J-Baltimore= alpha2 beta2 16 Gly leads to Asp. Clin Chim Acta. 1971; 35(2):521-2. PMID: 5125343

GeneDx
Classification: Uncertain significance. Last evaluated: 2025-03-13. Review status: criteria provided, single submitter. Criteria: GeneDx Variant Classification Process June 2021. Collection method: clinical testing. Allele origin: germline.
Comment: Reported in combination with either hemoblobin S, hemoglobin C, or beta thalassemia trait, but limited clinical information is provided on these individuals (PMID: 14092068); Observed in the heterozygous state in a mother and daughter with abnormally low HbA1c levels (PMID: 20206586); Also described as Gly16Asp or Hb J-Baltimore using alternate nomenclature (PMID: 25130136, 14092068, 20206586); In silico analysis supports that this missense variant has a deleterious effect on protein structure/function; This variant is associated with the following publications: (PMID: 27535164, 3808941, 14117783, 8226093, 5125343, 19429541, 31553106, 511585, 24200101, 8745435, 19750260, 25130136, 700140, 26524047, 3957922, 6859036, 16178917, 17709689, 28791912, 26901597, 27207683, 14092068, 20206586)

Revvity Omics, Revvity
Classification: Uncertain significance. Last evaluated: 2024-11-21. Review status: criteria provided, single submitter. Criteria: ACMG Guidelines, 2015. Collection method: clinical testing. Allele origin: germline.

OMIM
Classification: other for HEMOGLOBIN J (BALTIMORE). Last evaluated: 1979-01-01. Review status: no assertion criteria provided. Collection method: literature only. Allele origin: germline. Not counted in ClinVar's aggregate classification.

Literature cited by the submitters: PubMed 8745435 (cited by Women's Health and Genetics/Laboratory Corporation of America, LabCorp and Quest Diagnostics Nichols Institute San Juan Capistrano); PubMed 700140 (cited by Women's Health and Genetics/Laboratory Corporation of America, LabCorp); PubMed 5481775 (cited by Women's Health and Genetics/Laboratory Corporation of America, LabCorp); PubMed 16178917 (cited by Women's Health and Genetics/Laboratory Corporation of America, LabCorp); PubMed 14282052 (cited by Women's Health and Genetics/Laboratory Corporation of America, LabCorp); PubMed 6859036 (cited by Women's Health and Genetics/Laboratory Corporation of America, LabCorp); PubMed 19429541 (cited by Women's Health and Genetics/Laboratory Corporation of America, LabCorp and Quest Diagnostics Nichols Institute San Juan Capistrano); PubMed 511585 (cited by Women's Health and Genetics/Laboratory Corporation of America, LabCorp and OMIM); PubMed 17709689 (cited by Women's Health and Genetics/Laboratory Corporation of America, LabCorp); PubMed 20206586 (cited by Women's Health and Genetics/Laboratory Corporation of America, LabCorp and Quest Diagnostics Nichols Institute San Juan Capistrano); PubMed 19750260 (cited by Women's Health and Genetics/Laboratory Corporation of America, LabCorp); PubMed 14092068 (cited by Women's Health and Genetics/Laboratory Corporation of America, LabCorp); PubMed 14117783 (cited by Women's Health and Genetics/Laboratory Corporation of America, LabCorp and Quest Diagnostics Nichols Institute San Juan Capistrano); PubMed 3957922 (cited by Women's Health and Genetics/Laboratory Corporation of America, LabCorp); PubMed 31553106 (cited by Women's Health and Genetics/Laboratory Corporation of America, LabCorp and Quest Diagnostics Nichols Institute San Juan Capistrano); PubMed 14194270 (cited by Women's Health and Genetics/Laboratory Corporation of America, LabCorp); PubMed 24200101 (cited by Quest Diagnostics Nichols Institute San Juan Capistrano); PubMed 25130136 (cited by Quest Diagnostics Nichols Institute San Juan Capistrano); PubMed 27207683 (cited by Quest Diagnostics Nichols Institute San Juan Capistrano); PubMed 26901597 (cited by Quest Diagnostics Nichols Institute San Juan Capistrano); PubMed 35115521 (cited by Quest Diagnostics Nichols Institute San Juan Capistrano); PubMed 34232993 (cited by Quest Diagnostics Nichols Institute San Juan Capistrano); PubMed 34713239 (cited by Quest Diagnostics Nichols Institute San Juan Capistrano); PubMed 8226093 (cited by Quest Diagnostics Nichols Institute San Juan Capistrano); PubMed 27535164 (cited by Quest Diagnostics Nichols Institute San Juan Capistrano); PubMed 28791912 (cited by Quest Diagnostics Nichols Institute San Juan Capistrano); Went, L. N., MacIver, J. E. Sickle-cell haemoglobin-J disease. Brit. Med. J. 2: 138-139, 1959. (cited by OMIM); PubMed 13703277 (cited by OMIM); Sydenstricker, V. P., Horton, B., Payne, R. A., Huisman, T. H. J. Studies on a fast hemoglobin variant found in a Negro family in association with thalassemia. Clin. Chim. Acta 6: 677-685, 1961. (cited by OMIM); PubMed 14449876 (cited by OMIM); PubMed 857849 (cited by OMIM); PubMed 5872025 (cited by OMIM); PubMed 6026391 (cited by OMIM); PubMed 5125343 (cited by OMIM).